The following is an entry in ClinVar:

NM_182961.4(SYNE1):c.19306A>T (p.Asn6436Tyr)

Gene: SYNE1 (spectrin repeat containing nuclear envelope protein 1; minus strand). Cytogenetic location: 6q25.2.
Variant type: single nucleotide variant.
Coding change: c.19306A>T on transcript NM_182961.4 (MANE Select); coding-DNA position 19306, A replaced by T.
Protein change: p.Asn6436Tyr; replaces asparagine 6436 with tyrosine.
Molecular consequence: missense variant.
Genome position (GRCh38, 1-based): chr6:152,255,044, T>A on the plus strand (A>T on the coding strand, the complement: SYNE1 is on the minus strand). VCF-style: chr6-152255044-T-A. GRCh37 (hg19) VCF-style: chr6-152576179-T-A.
Other names: c.19093A>T (NM_033071.3); c.19093A>T, p.Asn6365Tyr (NM_033071.5); short protein forms N6365Y, N6436Y.
Identifiers: ClinVar variation 1256366 (VCV001256366.10), dbSNP rs996252466, ClinGen allele CA150202313.
Genomic context (GRCh38, chr6:152,255,044, plus strand): 5'-CTTCAATAACATCTCGATTATCACCATTCTCTGGAAAAGCTTGGGAAAACAAGTTTTTGT[T>A]CTTATCCATTTCTTCAGACATTTCCTTAATGTCTTTGGCAAGAATCTAGAGGTGATAAAA-3'
Protein context (NP_892006.3, residues 6426-6446): IKEMSEEMDK[Asn6436Tyr]KNLFSQAFPE

ClinVar aggregate classification (germline): Uncertain significance. Review status: criteria provided, multiple submitters, no conflicts (2 of 4 stars). 3 submissions from 3 submitters: Uncertain significance (3). Last evaluated 2023-07-17.

Conditions:
Autosomal recessive ataxia, Beauce type. Also called: Spinocerebellar ataxia, autosomal recessive 8; ATAXIA, RECESSIVE, OF BEAUCE; SYNE1 Deficiency; SYNE1-Related Autosomal Recessive Cerebellar Ataxia. Identifiers: Orphanet 88644, MedGen C1853116, MONDO:0012549, OMIM 610743.
Emery-Dreifuss muscular dystrophy 4, autosomal dominant (EDMD4). Also called: EMERY-DREIFUSS MUSCULAR DYSTROPHY 4 WITH VARIABLE FEATURES. Identifiers: Orphanet 261, MedGen C2751807, MONDO:0013071, OMIM 612998.

Allele frequency attached by ClinVar (database versions not stated): gnomAD exomes below 0.00001.
gnomAD v4.1: 1 of 1,610,748 alleles (0.000062%); highest among the groups gnomAD compares: Admixed American, 0.0017%; no homozygotes.

Submissions (3):

Revvity Omics, Revvity
Classification: Uncertain significance. Last evaluated: 2023-07-17. Review status: criteria provided, single submitter. Criteria: ACMG Guidelines, 2015. Collection method: clinical testing. Allele origin: germline.

Labcorp Genetics (formerly Invitae), Labcorp
Classification: Uncertain significance for Emery-Dreifuss muscular dystrophy 4, autosomal dominant; Autosomal recessive ataxia, Beauce type. Last evaluated: 2022-08-15. Review status: criteria provided, single submitter. Criteria: Invitae Variant Classification Sherloc (09022015). Collection method: clinical testing. Allele origin: germline.
Comment: This variant is present in population databases (no rsID available, gnomAD 0.003%). This sequence change replaces asparagine, which is neutral and polar, with tyrosine, which is neutral and polar, at codon 6365 of the SYNE1 protein (p.Asn6365Tyr). Algorithms developed to predict the effect of missense changes on protein structure and function (SIFT, PolyPhen-2, Align-GVGD) all suggest that this variant is likely to be disruptive. In summary, the available evidence is currently insufficient to determine the role of this variant in disease. Therefore, it has been classified as a Variant of Uncertain Significance. This variant has not been reported in the literature in individuals affected with SYNE1-related conditions. ClinVar contains an entry for this variant (Variation ID: 1256366).

Athena Diagnostics
Classification: Uncertain significance. Last evaluated: 2021-05-07. Review status: criteria provided, single submitter. Criteria: Athena Diagnostics criteria. Collection method: clinical testing. Allele origin: unknown.